The following is an entry in ClinVar:

NM_006206.6(PDGFRA):c.2324-2A>G

Gene: PDGFRA (platelet derived growth factor receptor alpha; plus strand). Cytogenetic location: 4q12.
Variant type: single nucleotide variant.
Coding change: c.2324-2A>G on transcript NM_006206.6 (MANE Select); the canonical splice acceptor site of the intron before coding-DNA position 2324, A replaced by G.
Molecular consequence: splice acceptor variant.
Genome position (GRCh38, 1-based): chr4:54,285,369, A>G. VCF-style: chr4-54285369-A-G. GRCh37 (hg19) VCF-style: chr4-55151536-A-G.
Other names: c.2399-2A>G (NM_001347828.2); c.2324-2A>G (NM_001347829.2); c.2363-2A>G (NM_001347830.2).
Identifiers: ClinVar variation 2779293 (VCV002779293.3), dbSNP rs2110335333, ClinGen allele CA356894570.

ClinVar aggregate classification (germline): Uncertain significance (1 of 4 stars; one submission).

Conditions:
Gastrointestinal stromal tumor. Also called: Gastrointestinal stromal tumor, somatic; Gastrointestinal stroma tumor. Identifiers: Orphanet 44890, MedGen C0238198, MeSH D046152, MONDO:0011719, OMIM 606764, HP:0100723.

Submission:

Labcorp Genetics (formerly Invitae), Labcorp
Classification: Uncertain significance for Gastrointestinal stromal tumor. Last evaluated: 2023-10-29. Review status: criteria provided, single submitter. Criteria: Invitae Variant Classification Sherloc (09022015). Collection method: clinical testing. Allele origin: germline.
Comment: This sequence change affects an acceptor splice site in intron 16 of the PDGFRA gene. It is expected to disrupt RNA splicing. Variants that disrupt the donor or acceptor splice site typically lead to a loss of protein function (PMID: 16199547), however the current clinical and genetic evidence is not sufficient to establish whether loss-of-function variants in PDGFRA cause disease. This variant is not present in population databases (gnomAD no frequency). This variant has not been reported in the literature in individuals affected with PDGFRA-related conditions. Algorithms developed to predict the effect of sequence changes on RNA splicing suggest that this variant may disrupt the consensus splice site. In summary, the available evidence is currently insufficient to determine the role of this variant in disease. Therefore, it has been classified as a Variant of Uncertain Significance.

Literature cited by the submitters: PubMed 16199547.